The following is an entry in ClinVar:

NM_022773.4(LMF1):c.1115G>T (p.Gly372Val)

Gene: LMF1 (lipase maturation factor 1; minus strand). Cytogenetic location: 16p13.3.
Variant type: single nucleotide variant.
Coding change: c.1115G>T on transcript NM_022773.4 (MANE Select); coding-DNA position 1115, G replaced by T.
Protein change: p.Gly372Val; replaces glycine 372 with valine.
Molecular consequence: missense variant. On other transcripts: non-coding transcript variant (1).
Genome position (GRCh38, 1-based): chr16:870,846, C>A on the plus strand (G>T on the coding strand, the complement: LMF1 is on the minus strand). VCF-style: chr16-870846-C-A. GRCh37 (hg19) VCF-style: chr16-920846-C-A.
Other names: c.464G>T, p.Gly155Val (NM_001352017.2, NM_001352021.2); c.716G>T, p.Gly239Val (NM_001352018.2); c.788G>T, p.Gly263Val (NM_001352019.2); c.1115G>T, p.Gly372Val (NM_001352020.1); short protein forms G155V, G239V, G263V, G372V.
Identifiers: ClinVar variation 4614524 (VCV004614524.1).

ClinVar aggregate classification (germline): Uncertain significance (1 of 4 stars; one submission).

Conditions:
Cardiovascular phenotype. Identifiers: MedGen CN230736.

gnomAD v4.1: 1 of 1,611,354 alleles (0.000062%); highest among the groups gnomAD compares: Non-Finnish European, 0.000085%; no homozygotes.

Submission:

Ambry Genetics
Classification: Uncertain significance for Cardiovascular phenotype. Last evaluated: 2025-11-07. Review status: criteria provided, single submitter. Criteria: Ambry Variant Classification Scheme 2023. Collection method: clinical testing. Allele origin: germline.
Comment: The p.G372V variant (also known as c.1115G>T), located in coding exon 8 of the LMF1 gene, results from a G to T substitution at nucleotide position 1115. The glycine at codon 372 is replaced by valine, an amino acid with dissimilar properties. This amino acid position is conserved. In addition, this alteration is predicted to be tolerated by in silico analysis. Based on the available evidence, the clinical significance of this variant remains unclear.